The following is an entry in ClinVar:

NM_006172.4(NPPA):c.114G>A (p.Met38Ile)

Genes: NPPA (natriuretic peptide A; minus strand), NPPA-AS1 (NPPA antisense RNA 1; plus strand), LOC114827827 (VISTA enhancer hs2123; plus strand). Cytogenetic location: 1p36.22.
Variant type: single nucleotide variant.
Coding change: c.114G>A on transcript NM_006172.4 (MANE Select); coding-DNA position 114, G replaced by A.
Protein change: p.Met38Ile; replaces methionine 38 with isoleucine.
Molecular consequence: missense variant. On other transcripts: non-coding transcript variant (1).
Genome position (GRCh38, 1-based): chr1:11,847,571, C>T on the plus strand (G>A on the coding strand, the complement: NPPA is on the minus strand). VCF-style: chr1-11847571-C-T. GRCh37 (hg19) VCF-style: chr1-11907628-C-T.
Other names: short protein forms M38I.
Identifiers: ClinVar variation 1963972 (VCV001963972.5), dbSNP rs1370392073, ClinGen allele CA338451706.

ClinVar aggregate classification (germline): Uncertain significance (1 of 4 stars; one submission).

Conditions:
Atrial fibrillation, familial, 6 (ATFB6). Identifiers: MedGen C2677294, MONDO:0012816, OMIM 612201.

Allele frequency attached by ClinVar (database versions not stated): gnomAD exomes below 0.00001; gnomAD 0.00001; TOPMed 0.00002.

Submission:

Labcorp Genetics (formerly Invitae), Labcorp
Classification: Uncertain significance for Atrial fibrillation, familial, 6. Last evaluated: 2022-03-11. Review status: criteria provided, single submitter. Criteria: Invitae Variant Classification Sherloc (09022015). Collection method: clinical testing. Allele origin: germline.
Comment: This variant is present in population databases (no rsID available, gnomAD 0.007%). This variant has not been reported in the literature in individuals affected with NPPA-related conditions. Algorithms developed to predict the effect of missense changes on protein structure and function (SIFT, PolyPhen-2, Align-GVGD) all suggest that this variant is likely to be tolerated. In summary, the available evidence is currently insufficient to determine the role of this variant in disease. Therefore, it has been classified as a Variant of Uncertain Significance. This sequence change replaces methionine, which is neutral and non-polar, with isoleucine, which is neutral and non-polar, at codon 38 of the NPPA protein (p.Met38Ile).